The following is an entry in ClinVar:

NM_001330311.2(DVL1):c.649C>T (p.Arg217Trp)

Gene: DVL1 (dishevelled segment polarity protein 1; minus strand). Cytogenetic location: 1p36.33.
Variant type: single nucleotide variant.
Coding change: c.649C>T on transcript NM_001330311.2 (MANE Select); coding-DNA position 649, C replaced by T.
Protein change: p.Arg217Trp; replaces arginine 217 with tryptophan.
Molecular consequence: missense variant.
Genome position (GRCh38, 1-based): chr1:1,340,460, G>A on the plus strand (C>T on the coding strand, the complement: DVL1 is on the minus strand). VCF-style: chr1-1340460-G-A. GRCh37 (hg19) VCF-style: chr1-1275840-G-A.
Other names: c.649C>T, p.Arg217Trp (NM_004421.3); short protein forms R217W.
Identifiers: ClinVar variation 1042850 (VCV001042850.8), dbSNP rs776253695, ClinGen allele CA520556.
Genomic context (GRCh38, chr1:1,340,460, plus strand): 5'-GGCTGCCTACCCGGTCCGCCTGCCGAAGGCGCTGCTTCCTCCGCCGGCGTTTGTGCTTCC[G>A]GATGAGTCTGGATGAGGTGCTCTGCTCCGTGGAGCTGCTGAGCCTGGGAACAGACTGTCA-3'
Protein context (NP_001317240.1, residues 207-227): TEQSTSSRLI[Arg217Trp]KHKRRRRKQR

ClinVar aggregate classification (germline): Uncertain significance (1 of 4 stars; one submission).

Allele frequency attached by ClinVar (database versions not stated): gnomAD 0.00001; TOPMed 0.00001; gnomAD exomes 0.00002 and 0.00003; ExAC 0.00004.
gnomAD v4.1: 28 of 1,610,680 alleles (0.0017%); highest among the groups gnomAD compares: South Asian, 0.0066%; no homozygotes.

Submission:

Labcorp Genetics (formerly Invitae), Labcorp
Classification: Uncertain significance. Last evaluated: 2025-02-11. Review status: criteria provided, single submitter. Criteria: Invitae Variant Classification Sherloc (09022015). Collection method: clinical testing. Allele origin: germline.
Comment: This sequence change replaces arginine, which is basic and polar, with tryptophan, which is neutral and slightly polar, at codon 217 of the DVL1 protein (p.Arg217Trp). This variant is present in population databases (rs776253695, gnomAD 0.007%). This variant has not been reported in the literature in individuals affected with DVL1-related conditions. ClinVar contains an entry for this variant (Variation ID: 1042850). Invitae Evidence Modeling of protein sequence and biophysical properties (such as structural, functional, and spatial information, amino acid conservation, physicochemical variation, residue mobility, and thermodynamic stability) indicates that this missense variant is not expected to disrupt DVL1 protein function with a negative predictive value of 80%. In summary, the available evidence is currently insufficient to determine the role of this variant in disease. Therefore, it has been classified as a Variant of Uncertain Significance.